The following is an entry in ClinVar:

NM_000091.5(COL4A3):c.236G>A (p.Gly79Asp)

Genes: COL4A3 (collagen type IV alpha 3 chain; plus strand), MFF-DT (MFF divergent transcript; minus strand). Cytogenetic location: 2q36.3.
Variant type: single nucleotide variant.
Coding change: c.236G>A on transcript NM_000091.5 (MANE Select); coding-DNA position 236, G replaced by A.
Protein change: p.Gly79Asp; replaces glycine 79 with aspartic acid.
Molecular consequence: missense variant.
Genome position (GRCh38, 1-based): chr2:227,244,321, G>A. VCF-style: chr2-227244321-G-A. GRCh37 (hg19) VCF-style: chr2-228109037-G-A.
Other names: p.Gly79Asp; short protein forms G79D.
Identifiers: ClinVar variation 3603311 (VCV003603311.3).

ClinVar aggregate classification (germline): Conflicting classifications of pathogenicity. Review status: criteria provided, conflicting classifications (1 of 4 stars). 2 submissions from 2 submitters: Likely pathogenic (1); Uncertain significance (1). Last evaluated 2025-05-20.

Conditions:
Autosomal dominant Alport syndrome (ATS3A). Also called: ALPORT SYNDROME 3A, AUTOSOMAL DOMINANT; Alport syndrome dominant type; Renal failure and sensorineural hearing loss. Identifiers: Orphanet 63, Orphanet 88918, MedGen C5882663, MONDO:0007086, OMIM 104200.

Submissions (2):

Women's Health and Genetics/Laboratory Corporation of America, LabCorp
Classification: Uncertain significance. Last evaluated: 2025-05-20. Review status: criteria provided, single submitter. Criteria: LabCorp Variant Classification Summary - May 2015. Collection method: clinical testing. Allele origin: germline.
Comment: Variant summary: COL4A3 c.236G>A (p.Gly79Asp) results in a non-conservative amino acid change in the encoded protein sequence. Algorithms developed to predict the effect of missense changes on protein structure and function all suggest that this variant is likely to be disruptive. The variant was absent in 249354 control chromosomes. The available data on variant occurrences in the general population are insufficient to allow any conclusion about variant significance. To our knowledge, no occurrence of c.236G>A in individuals affected with Alport Syndrome, Autosomal Recessive and no experimental evidence demonstrating its impact on protein function have been reported. ClinVar contains an entry for this variant (Variation ID: 3603311). Based on the evidence outlined above, the variant was classified as uncertain significance.

Foundation for Research in Genetics and Endocrinology, FRIGE's Institute of Human Genetics
Classification: Likely pathogenic for Autosomal dominant Alport syndrome. Last evaluated: 2025-01-04. Review status: criteria provided, single submitter. Criteria: ACMG Guidelines, 2015. Collection method: clinical testing. Allele origin: germline. Inheritance: Autosomal dominant inheritance. Affected: yes. Observed: 1 heterozygote.
Comment: A heterozygous missense variant in exon 4 of the COL4A3 gene that results in the amino acid substitution of Aspartic acid for Glycine at codon 79 was detected. The observed variant c.236G>A (p.Gly79Asp) has not been reported in the 1000 genomes and gnomAD databases. The in-silico prediction is damaging by LRT, SIFT, DANN and MutationTaster. Patients with Alport syndrome has been reported with digenic inheritance with variants in the COL4A3 and COL4A4 genes (Savige et al. 2022) In summary, the variant meets our criteria to be classified as likely pathogenic.